The following is an entry in ClinVar:

NM_000059.4(BRCA2):c.2167del (p.Ser723fs)

Gene: BRCA2 (BRCA2 DNA repair associated; plus strand). Cytogenetic location: 13q13.1.
Variant type: Deletion.
Coding change: c.2167del on transcript NM_000059.4 (MANE Select); coding-DNA position 2167, one base deleted (A; older notation c.2167delA).
Protein change: p.Ser723fs; shifts the reading frame from serine 723.
Molecular consequence: frameshift variant.
Genome position (GRCh38, 1-based): chr13:32,336,522, A deleted; the last of 5 consecutive A bases (chr13:32,336,518-32,336,522); deleting any one gives the same sequence. VCF-style (leftmost placement, unchanged base first): chr13-32336517-CA-C. GRCh37 (hg19) VCF-style: chr13-32910654-CA-C.
Other names: short protein forms S723fs.
Identifiers: ClinVar variation 1455309 (VCV001455309.12), dbSNP rs2072451752, ClinGen allele CA2499222099.

ClinVar aggregate classification (germline): Pathogenic. Review status: criteria provided, multiple submitters, no conflicts (2 of 4 stars). 4 submissions from 4 submitters: Pathogenic (4). Last evaluated 2026-08-06.

Conditions:
Hereditary breast ovarian cancer syndrome. Also called: Hereditary breast and ovarian cancer syndrome; Breast and ovarian cancer; Hereditary breast and ovarian cancer syndrome (HBOC); Hereditary breast and ovarian cancer; Hereditary breast and/or ovarian cancer syndrome; BRCA1- and BRCA2-Associated Hereditary Breast and Ovarian Cancer. Identifiers: Orphanet 145, MedGen C0677776, MeSH D061325, MONDO:0003582. Disease mechanism: loss of function.
Hereditary cancer-predisposing syndrome. Also called: Hereditary Cancer Syndrome; Hereditary neoplastic syndrome; Neoplastic Syndromes, Hereditary; Tumor predisposition. Identifiers: Orphanet 140162, MedGen C0027672, MeSH D009386, MONDO:0015356.
Familial prostate cancer. Also called: Hereditary Prostate Cancer. Identifiers: MedGen C2931456, MONDO:0700275, OMIM 176807.

Submissions (4):

OLLIN Analises Genomicas, OLLIN
Classification: Pathogenic for Familial prostate cancer. Last evaluated: 2026-08-06. Review status: criteria provided, single submitter. Criteria: ACMG Guidelines 2015 PMID 25741868. Collection method: clinical testing. Allele origin: germline. Inheritance: Autosomal recessive inheritance.
Comment: This frameshift variant, located in exon 11 (of 27), is absent from gnomAD but has been reported in ClinVar (accession VCV001455309.11) and in the scientific literature in individuals with BRCA2 related disorders (PMID: 29907814). This variant causes a frameshift and introduces a premature stop codon, which is predicted to result in either a truncated protein or degradation of the mRNA via nonsense-mediated decay (NMD). Another pathogenic variant affecting the same amino acid residue has been reported. According to the currently available evidence, this variant has been classified as pathogenic (PVS1, PM2_P, PM5_S).

Labcorp Genetics (formerly Invitae), Labcorp
Classification: Pathogenic for Hereditary breast ovarian cancer syndrome. Last evaluated: 2025-08-30. Review status: criteria provided, single submitter. Criteria: Invitae Variant Classification Sherloc (09022015). Collection method: clinical testing. Allele origin: germline.
Comment: This sequence change creates a premature translational stop signal (p.Ser723Alafs*7) in the BRCA2 gene. It is expected to result in an absent or disrupted protein product. Loss-of-function variants in BRCA2 are known to be pathogenic (PMID: 20104584). This variant is not present in population databases (gnomAD no frequency). This premature translational stop signal has been observed in individual(s) with personal or family history of breast and/or ovarian cancer (PMID: 29907814). ClinVar contains an entry for this variant (Variation ID: 1455309). For these reasons, this variant has been classified as Pathogenic.

Molecular Diagnostics Laboratory, Catalan Institute of Oncology
Classification: Pathogenic for Hereditary cancer-predisposing syndrome. Last evaluated: 2025-02-12. Review status: criteria provided, single submitter. Criteria: ClinGen BRCA1BRCA2 ACMG Specifications BRCA2 V1.0.0. Collection method: clinical testing. Allele origin: germline.
Comment: PVS1, PM5_PTC_Strong c.2167del, located in exon 11 of the BRCA2 gene, consists in the deletion of 1 nucleotide, causing a translational frameshift with a predicted alternate stop codon, p.(Ser723Alafs*7). This alteration is expected to result in loss of function by premature protein truncation and nonsense-mediated mRNA decay (PVS1, PM5_PTC_Strong). No effect is predicted on splicing by SpliceAI. It is not present in the population database gnomAD v2.1.1, non cancer dataset. To our knowledge, neither relevant clinical data nor well-stablished functional studies have been reported for this variant. In addition, the variant has been identified in the ClinVar database (2x Pathogenic) and BRCA Exchange database (not yet reviewed), but it is not present in the LOVD database. Based on the currently available information, c.2167del is classified as a pathogenic variant according to ClinGen-BRCA2 Guidelines version v1.0.0.

Ambry Genetics
Classification: Pathogenic for Hereditary cancer-predisposing syndrome. Last evaluated: 2022-01-11. Review status: criteria provided, single submitter. Criteria: Ambry Variant Classification Scheme 2023. Collection method: clinical testing. Allele origin: germline.
Comment: The c.2167delA pathogenic mutation, located in coding exon 10 of the BRCA2 gene, results from a deletion of one nucleotide at nucleotide position 2167, causing a translational frameshift with a predicted alternate stop codon (p.S723Afs*7). This variant is considered to be rare based on population cohorts in the Genome Aggregation Database (gnomAD). This alteration is expected to result in loss of function by premature protein truncation or nonsense-mediated mRNA decay. As such, this alteration is interpreted as a disease-causing mutation.

Literature cited by the submitters: PubMed 29907814 (cited by OLLIN Analises Genomicas, OLLIN and Labcorp Genetics (formerly Invitae), Labcorp); PubMed 20104584 (cited by Labcorp Genetics (formerly Invitae), Labcorp).